The following is an entry in ClinVar:

ClinVar aggregate classification (germline): Likely benign (1 of 4 stars; one submission).

Allele frequency attached by ClinVar (database versions not stated): gnomAD 0.01390; TOPMed 0.01442; 1000 Genomes Project 0.01937.
gnomAD v4.1: 3,136 of 1,221,932 alleles (0.26%); highest among the groups gnomAD compares: African/African-American, 4.4%; 44 homozygotes.

Submissions (2):

GeneDx
Classification: Likely benign. Last evaluated: 2020-04-09. Review status: criteria provided, single submitter. Criteria: GeneDx Variant Classification Process June 2021. Collection method: clinical testing. Allele origin: germline. Affected: yes.
Comment: See Variant Classification Assertion Criteria.

Dr. Peter K. Rogan Lab, Western University
No classification provided (evidence only). Condition: Uterine corpus endometrial carcinoma. Review status: no classification provided. Collection method: in vitro. Allele origin: not applicable. Functional consequence: retained intron. Not counted in ClinVar's aggregate classification.

NM_004525.3(LRP2):c.7557-54A>G

Gene: LRP2 (LDL receptor related protein 2; minus strand). Cytogenetic location: 2q31.1.
Variant type: single nucleotide variant.
Coding change: c.7557-54A>G on transcript NM_004525.3 (MANE Select); 54 bases into the intron before coding-DNA position 7557, A replaced by G.
Molecular consequence: intron variant.
Genome position (GRCh38, 1-based): chr2:169,205,691, T>C on the plus strand (A>G on the coding strand, the complement: LRP2 is on the minus strand). VCF-style: chr2-169205691-T-C. GRCh37 (hg19) VCF-style: chr2-170062201-T-C.
Other names: NC_000002.11:g.170062201T>C.
Identifiers: ClinVar variation 1706823 (VCV001706823.3), dbSNP rs549643355, ClinGen allele CA59933164.
Genomic context (GRCh38, chr2:169,205,691, plus strand): 5'-CAGGTACCTAGTCATACAAAAGGAGTCAATAATTAATTCACAGGGAACCTCATAGTCCTT[T>C]AAAAAAAAAAAAAAGGACAATATTCTTTAATTGCAAATTGCCAGTAACATGGCAAAAGAA-3'